The following is an entry in ClinVar:

NM_015662.3(IFT172):c.1337A>G (p.Asn446Ser)

Gene: IFT172 (intraflagellar transport 172; minus strand). Cytogenetic location: 2p23.3.
Variant type: single nucleotide variant.
Coding change: c.1337A>G on transcript NM_015662.3 (MANE Select); coding-DNA position 1337, A replaced by G.
Protein change: p.Asn446Ser; replaces asparagine 446 with serine.
Molecular consequence: missense variant.
Genome position (GRCh38, 1-based): chr2:27,476,715, T>C on the plus strand (A>G on the coding strand, the complement: IFT172 is on the minus strand). VCF-style: chr2-27476715-T-C. GRCh37 (hg19) VCF-style: chr2-27699582-T-C.
Other names: c.1337A>G, p.Asn446Ser (NM_001410739.1); short protein forms N446S.
Identifiers: ClinVar variation 3349611 (VCV003349611.2).
Genomic context (GRCh38, chr2:27,476,715, plus strand): 5'-TTAATATCAATAAGATAAGCCAATTTCTTATTATCTTCTGTTCCTCGCTGACACCTCTCA[T>C]TAATACGAACACTGAAACATGAAGGGTGAGGTAAGGCAAAATGGGCTGAGGTAGTTGGGA-3'
Protein context (NP_056477.1, residues 436-456): MNPHLISVRI[Asn446Ser]ERCQRGTEDN

ClinVar aggregate classification (germline): Uncertain significance. Review status: criteria provided, single submitter (1 of 4 stars). 2 submissions from 2 submitters: Uncertain significance (1). 1 of the submissions does not count toward it. Last evaluated 2024-02-14.

Conditions:
Bardet-Biedl syndrome 20. Identifiers: MedGen C4310707, MONDO:0023670, OMIM 619471, MONDO:0014926.
Short-rib thoracic dysplasia 10 with or without polydactyly (SRTD10). Identifiers: Orphanet 474, MedGen C3810175, MONDO:0014284, OMIM 615630.
Retinitis pigmentosa 71 (RP71). Identifiers: Orphanet 791, MedGen C4225342, MONDO:0014618, OMIM 616394.
IFT172-related disorder. Also called: IFT172-related disorders; IFT172-related condition.

Submissions (2):

Fulgent Genetics
Classification: Uncertain significance for Short-rib thoracic dysplasia 10 with or without polydactyly; Retinitis pigmentosa 71; Bardet-Biedl syndrome 20. Last evaluated: 2024-02-14. Review status: criteria provided, single submitter. Criteria: ACMG Guidelines, 2015. Collection method: clinical testing. Allele origin: germline.

PreventionGenetics, part of Exact Sciences
Classification: Uncertain significance for IFT172-related condition. Last evaluated: 2024-03-15. Review status: no assertion criteria provided. Collection method: clinical testing. Allele origin: germline. Not counted in ClinVar's aggregate classification.
Comment: The IFT172 c.1337A>G variant is predicted to result in the amino acid substitution p.Asn446Ser. To our knowledge, this variant has not been reported in the literature or in a large population database, indicating this variant is rare. At this time, the clinical significance of this variant is uncertain due to the absence of conclusive functional and genetic evidence.